The following is an entry in ClinVar:

NM_004656.4(BAP1):c.1816G>A (p.Ala606Thr)

Gene: BAP1 (BRCA1 associated deubiquitinase 1; minus strand). Cytogenetic location: 3p21.1.
Variant type: single nucleotide variant.
Coding change: c.1816G>A on transcript NM_004656.4 (MANE Select); coding-DNA position 1816, G replaced by A.
Protein change: p.Ala606Thr; replaces alanine 606 with threonine.
Molecular consequence: missense variant.
Genome position (GRCh38, 1-based): chr3:52,403,212, C>T on the plus strand (G>A on the coding strand, the complement: BAP1 is on the minus strand). VCF-style: chr3-52403212-C-T. GRCh37 (hg19) VCF-style: chr3-52437228-C-T.
Other names: short protein forms A606T.
Identifiers: ClinVar variation 1319080 (VCV001319080.5), dbSNP rs2153226472, ClinGen allele CA353098565.

ClinVar aggregate classification (germline): Uncertain significance. Review status: criteria provided, multiple submitters, no conflicts (2 of 4 stars). 2 submissions from 2 submitters: Uncertain significance (2). Last evaluated 2024-03-20.

Conditions:
BAP1-related tumor predisposition syndrome (TPDS1). Also called: Tumor susceptibility linked to germline BAP1 mutations; COMMON Syndrome; TUMOR PREDISPOSITION SYNDROME 1; BAP1 tumor predisposition syndrome. Identifiers: Orphanet 289539, MedGen C3280492, MONDO:0013692, OMIM 614327.

Submissions (2):

Labcorp Genetics (formerly Invitae), Labcorp
Classification: Uncertain significance for BAP1-related tumor predisposition syndrome. Last evaluated: 2024-03-20. Review status: criteria provided, single submitter. Criteria: Invitae Variant Classification Sherloc (09022015). Collection method: clinical testing. Allele origin: germline.
Comment: This sequence change replaces alanine, which is neutral and non-polar, with threonine, which is neutral and polar, at codon 606 of the BAP1 protein (p.Ala606Thr). This variant is not present in population databases (gnomAD no frequency). This variant has not been reported in the literature in individuals affected with BAP1-related conditions. ClinVar contains an entry for this variant (Variation ID: 1319080). Advanced modeling of protein sequence and biophysical properties (such as structural, functional, and spatial information, amino acid conservation, physicochemical variation, residue mobility, and thermodynamic stability) performed at Invitae indicates that this missense variant is not expected to disrupt BAP1 protein function with a negative predictive value of 80%. In summary, the available evidence is currently insufficient to determine the role of this variant in disease. Therefore, it has been classified as a Variant of Uncertain Significance.

Institute for Clinical Genetics, University Hospital TU Dresden, University Hospital TU Dresden
Classification: Uncertain significance. Last evaluated: 2021-11-03. Review status: criteria provided, single submitter. Criteria: ACMG Guidelines, 2015. Collection method: clinical testing. Allele origin: germline.